The following is an entry in ClinVar:

ClinVar aggregate classification (germline): Likely benign. Review status: criteria provided, multiple submitters, no conflicts (2 of 4 stars). 4 submissions from 4 submitters: Likely benign (4). Last evaluated 2026-04-01.

Conditions:
TMEM107-related disorder. Also called: TMEM107-related condition.

Allele frequency attached by ClinVar (database versions not stated): 1000 Genomes Project 0.00020; TOPMed 0.00022; gnomAD 0.00023 and 0.00031; ESP Exome Variant Server 0.00035; gnomAD exomes 0.00048 and 0.00050; ExAC 0.00055.
gnomAD v4.1: 328 of 765,462 alleles (0.043%); highest among the groups gnomAD compares: South Asian, 0.28%; 4 homozygotes.

Submissions (4):

CeGaT Center for Human Genetics Tuebingen
Classification: Likely benign. Last evaluated: 2026-04-01. Review status: criteria provided, single submitter. Criteria: CeGaT Center For Human Genetics Tuebingen Variant Classification Criteria Version 2. Collection method: clinical testing. Allele origin: germline. Affected: yes. Observed: 1 variant allele.
Comment: TMEM107: BS2; SNORD118: BS2

PreventionGenetics, part of Exact Sciences
Classification: Likely benign for TMEM107-related condition. Last evaluated: 2025-12-05. Review status: criteria provided, single submitter. Criteria: ACMG Guidelines, 2015. Collection method: clinical testing. Allele origin: germline.
Comment: This variant is classified as likely benign based on ACMG/AMP sequence variant interpretation guidelines (Richards et al. 2015 PMID: 25741868, with internal and published modifications).

Labcorp Genetics (formerly Invitae), Labcorp
Classification: Likely benign. Last evaluated: 2025-10-26. Review status: criteria provided, single submitter. Criteria: Invitae Variant Classification Sherloc (09022015). Collection method: clinical testing. Allele origin: germline.

Blueprint Genetics
Classification: Likely benign. Last evaluated: 2024-11-26. Review status: criteria provided, single submitter. Criteria: ACMG Guidelines, 2015. Collection method: clinical testing. Allele origin: germline.

NR_033294.2(SNORD118):n.50A>G

Genes: SNORD118 (small nucleolar RNA, C/D box 118; minus strand), TMEM107 (transmembrane protein 107; minus strand). Cytogenetic location: 17p13.1.
Variant type: single nucleotide variant.
Molecular consequence: non-coding transcript variant (on NR_033294.2). On other transcripts: 3 prime UTR variant (5).
Genome position: GRCh38 VCF-style: chr17-8173539-T-C. GRCh37 (hg19) VCF-style: chr17-8076857-T-C.
Other names: c.*664A>G (NM_032354.3, NM_001351278.2, NM_001351279.2 and 3 more transcripts).
Identifiers: ClinVar variation 1638924 (VCV001638924.12), dbSNP rs200525987, ClinGen allele CA8370729.